The following is an entry in ClinVar:

ClinVar aggregate classification (germline): Uncertain significance (1 of 4 stars; one submission).

Submission:

GeneDx
Classification: Uncertain significance. Last evaluated: 2024-03-25. Review status: criteria provided, single submitter. Criteria: GeneDx Variant Classification Process June 2021. Collection method: clinical testing. Allele origin: germline. Affected: yes.
Comment: Not observed at significant frequency in large population cohorts (gnomAD); In silico analysis supports that this missense variant has a deleterious effect on protein structure/function; Has not been previously published as pathogenic or benign to our knowledge

NM_001379451.1(BCORL1):c.4649T>C (p.Leu1550Pro)

Gene: BCORL1 (BCL6 corepressor like 1; plus strand). Cytogenetic location: Xq26.1.
Variant type: single nucleotide variant.
Coding change: c.4649T>C on transcript NM_001379451.1 (MANE Select); coding-DNA position 4649, T replaced by C.
Protein change: p.Leu1550Pro; replaces leucine 1550 with proline.
Molecular consequence: missense variant.
Genome position (GRCh38, 1-based): chrX:130,037,488, T>C. VCF-style: chrX-130037488-T-C. GRCh37 (hg19) VCF-style: chrX-129171463-T-C.
Other names: c.4649T>C, p.Leu1550Pro (NM_001184772.3, NM_001379450.1); c.4427T>C, p.Leu1476Pro (NM_021946.5); short protein forms L1476P, L1550P.
Identifiers: ClinVar variation 3370579 (VCV003370579.1).
Genomic context (GRCh38, chrX:130,037,488, plus strand): 5'-GCTACACAGCCCTGCATGAGGCTTGTTCCCGGGGCTGGACCGACATCCTGAACATCCTGC[T>C]GGAGCACGGGGCCAACGTGAACTGCAGTGCGCAGGACGGCACGAGGCAAGAGGGCTGCAT-3'
Protein context (NP_001366380.1, residues 1540-1560): RGWTDILNIL[Leu1550Pro]EHGANVNCSA